The following is an entry in ClinVar:

NM_018062.4(FANCL):c.428C>G (p.Ala143Gly)

Gene: FANCL (FA complementation group L; minus strand). Cytogenetic location: 2p16.1.
Variant type: single nucleotide variant.
Coding change: c.428C>G on transcript NM_018062.4 (MANE Select); coding-DNA position 428, C replaced by G.
Protein change: p.Ala143Gly; replaces alanine 143 with glycine.
Molecular consequence: missense variant.
Genome position (GRCh38, 1-based): chr2:58,204,173, G>C on the plus strand (C>G on the coding strand, the complement: FANCL is on the minus strand). VCF-style: chr2-58204173-G-C. GRCh37 (hg19) VCF-style: chr2-58431308-G-C.
Other names: c.428C>G, p.Ala143Gly (NM_001114636.2, NM_001374615.1, NM_001410792.1); short protein forms A143G.
Identifiers: ClinVar variation 1406397 (VCV001406397.6), dbSNP rs756000370, ClinGen allele CA347034106.

ClinVar aggregate classification (germline): Uncertain significance (1 of 4 stars; one submission).

Conditions:
Fanconi anemia (FA). Also called: Fanconi's anemia. Identifiers: Orphanet 84, MedGen C0015625, MeSH D005199, MONDO:0019391.

gnomAD v4.1: 4 of 1,613,254 alleles (0.00025%); highest among the groups gnomAD compares: Non-Finnish European, 0.00025%; no homozygotes.

Submission:

Labcorp Genetics (formerly Invitae), Labcorp
Classification: Uncertain significance for Fanconi anemia. Last evaluated: 2021-12-06. Review status: criteria provided, single submitter. Criteria: Invitae Variant Classification Sherloc (09022015). Collection method: clinical testing. Allele origin: germline.
Comment: This sequence change replaces alanine, which is neutral and non-polar, with glycine, which is neutral and non-polar, at codon 143 of the FANCL protein (p.Ala143Gly). This variant is not present in population databases (gnomAD no frequency). This variant has not been reported in the literature in individuals affected with FANCL-related conditions. Algorithms developed to predict the effect of missense changes on protein structure and function are either unavailable or do not agree on the potential impact of this missense change (SIFT: "Deleterious"; PolyPhen-2: "Benign"; Align-GVGD: "Class C0"). In summary, the available evidence is currently insufficient to determine the role of this variant in disease. Therefore, it has been classified as a Variant of Uncertain Significance.